The following is an entry in ClinVar:

NM_001099274.3(TINF2):c.228G>A (p.Trp76Ter)

Gene: TINF2 (TERF1 interacting nuclear factor 2; minus strand). Cytogenetic location: 14q12.
Variant type: single nucleotide variant.
Coding change: c.228G>A on transcript NM_001099274.3 (MANE Select); coding-DNA position 228, G replaced by A.
Protein change: p.Trp76Ter; replaces tryptophan 76 with a stop codon.
Molecular consequence: nonsense. On other transcripts: intron variant (1).
Genome position (GRCh38, 1-based): chr14:24,241,959, C>T on the plus strand (G>A on the coding strand, the complement: TINF2 is on the minus strand). VCF-style: chr14-24241959-C-T. GRCh37 (hg19) VCF-style: chr14-24711165-C-T.
Other names: c.228G>A, p.Trp76Ter (NM_012461.3); c.192+182G>A (NM_001363668.2); short protein forms W76*.
Identifiers: ClinVar variation 3723581 (VCV003723581.2).

ClinVar aggregate classification (germline): Uncertain significance (1 of 4 stars; one submission).

Conditions:
Dyskeratosis congenita. Identifiers: Orphanet 1775, MedGen C0265965, MONDO:0015780.

Submission:

Labcorp Genetics (formerly Invitae), Labcorp
Classification: Uncertain significance for Dyskeratosis congenita. Last evaluated: 2024-11-25. Review status: criteria provided, single submitter. Criteria: Invitae Variant Classification Sherloc (09022015). Collection method: clinical testing. Allele origin: germline.
Comment: This sequence change creates a premature translational stop signal (p.Trp76*) in the TINF2 gene. It is expected to result in an absent or disrupted protein product. However, the current clinical and genetic evidence is not sufficient to establish whether loss-of-function variants in TINF2 cause disease. This variant is not present in population databases (gnomAD no frequency). This variant has not been reported in the literature in individuals affected with TINF2-related conditions. In summary, the available evidence is currently insufficient to determine the role of this variant in disease. Therefore, it has been classified as a Variant of Uncertain Significance.